The following is an entry in ClinVar:

NM_014165.4(NDUFAF4):c.-25C>T

Gene: NDUFAF4 (NADH:ubiquinone oxidoreductase complex assembly factor 4; minus strand). Cytogenetic location: 6q16.1.
Variant type: single nucleotide variant.
Coding change: c.-25C>T on transcript NM_014165.4 (MANE Select); 25 bases upstream of the start codon, C replaced by T.
Molecular consequence: 5 prime UTR variant.
Genome position (GRCh38, 1-based): chr6:96,897,826, G>A on the plus strand (C>T on the coding strand, the complement: NDUFAF4 is on the minus strand). VCF-style: chr6-96897826-G-A. GRCh37 (hg19) VCF-style: chr6-97345702-G-A.
Identifiers: ClinVar variation 379085 (VCV000379085.1), dbSNP rs370052081, ClinGen allele CA3931523.

ClinVar aggregate classification (germline): Likely benign (1 of 4 stars; one submission).

Allele frequency attached by ClinVar (database versions not stated): gnomAD 0.00011 and 0.00013; TOPMed 0.00013; ExAC 0.00017; gnomAD exomes 0.00022; ESP Exome Variant Server 0.00038.
gnomAD v4.1: 185 of 1,613,800 alleles (0.011%); highest among the groups gnomAD compares: Non-Finnish European, 0.0026%; no homozygotes.

Submission:

GeneDx
Classification: Likely benign. Last evaluated: 2016-09-26. Review status: criteria provided, single submitter. Criteria: GeneDx Variant Classification (06012015). Collection method: clinical testing. Allele origin: germline. Affected: yes.
Comment: This variant is considered likely benign or benign based on one or more of the following criteria: it is a conservative change, it occurs at a poorly conserved position in the protein, it is predicted to be benign by multiple in silico algorithms, and/or has population frequency not consistent with disease.